The following is an entry in ClinVar:

ClinVar aggregate classification (germline): Uncertain significance (1 of 4 stars; one submission).

Allele frequency attached by ClinVar (database versions not stated): gnomAD exomes below 0.00001.
gnomAD v4.1: 1 of 1,613,422 alleles (0.000062%); highest among the groups gnomAD compares: Non-Finnish European, 0.000085%; no homozygotes.

Submission:

Labcorp Genetics (formerly Invitae), Labcorp
Classification: Uncertain significance. Last evaluated: 2024-08-05. Review status: criteria provided, single submitter. Criteria: Invitae Variant Classification Sherloc (09022015). Collection method: clinical testing. Allele origin: germline.
Comment: This sequence change replaces glycine, which is neutral and non-polar, with glutamic acid, which is acidic and polar, at codon 524 of the NCSTN protein (p.Gly524Glu). This variant is not present in population databases (gnomAD no frequency). This variant has not been reported in the literature in individuals affected with NCSTN-related conditions. ClinVar contains an entry for this variant (Variation ID: 1500839). Advanced modeling of protein sequence and biophysical properties (such as structural, functional, and spatial information, amino acid conservation, physicochemical variation, residue mobility, and thermodynamic stability) performed at Invitae indicates that this missense variant is expected to disrupt NCSTN protein function with a positive predictive value of 80%. In summary, the available evidence is currently insufficient to determine the role of this variant in disease. Therefore, it has been classified as a Variant of Uncertain Significance.

NM_015331.3(NCSTN):c.1571G>A (p.Gly524Glu)

Gene: NCSTN (nicastrin; plus strand). Cytogenetic location: 1q23.2.
Variant type: single nucleotide variant.
Coding change: c.1571G>A on transcript NM_015331.3 (MANE Select); coding-DNA position 1571, G replaced by A.
Protein change: p.Gly524Glu; replaces glycine 524 with glutamic acid.
Molecular consequence: missense variant.
Genome position (GRCh38, 1-based): chr1:160,356,279, G>A. VCF-style: chr1-160356279-G-A. GRCh37 (hg19) VCF-style: chr1-160326069-G-A.
Other names: c.1511G>A, p.Gly504Glu (NM_001290184.2); c.1157G>A, p.Gly386Glu (NM_001290186.2); c.1571G>A, p.Gly524Glu (NM_001349729.2); short protein forms G504E, G524E, G386E.
Identifiers: ClinVar variation 1500839 (VCV001500839.8), dbSNP rs2101909348, ClinGen allele CA343282434.